The following is an entry in ClinVar:

ClinVar aggregate classification (germline): Uncertain significance. Review status: criteria provided, multiple submitters, no conflicts (2 of 4 stars). 3 submissions from 3 submitters: Uncertain significance (2). 1 of the submissions does not count toward it. Last evaluated 2022-10-01.

Conditions:
Nemaline myopathy 2 (NEM2). Also called: Nemaline myopathy 2, autosomal recessive. Identifiers: MedGen C1850569, MONDO:0009725, OMIM 256030.

Allele frequency attached by ClinVar (database versions not stated): ExAC 0.00002; gnomAD exomes 0.00002.
gnomAD v4.1: 63 of 1,611,614 alleles (0.0039%); highest among the groups gnomAD compares: Non-Finnish European, 0.0053%; no homozygotes.

Submissions (3):

Revvity Omics, Revvity
Classification: Uncertain significance. Last evaluated: 2022-10-01. Review status: criteria provided, single submitter. Criteria: ACMG Guidelines, 2015. Collection method: clinical testing. Allele origin: germline.

Labcorp Genetics (formerly Invitae), Labcorp
Classification: Uncertain significance for Nemaline myopathy 2. Last evaluated: 2021-09-01. Review status: criteria provided, single submitter. Criteria: Invitae Variant Classification Sherloc (09022015). Collection method: clinical testing. Allele origin: germline.
Comment: This sequence change replaces valine with leucine at codon 5610 of the NEB protein (p.Val5610Leu). The valine residue is moderately conserved and there is a small physicochemical difference between valine and leucine. This variant is present in population databases (rs759755890, ExAC 0.003%). This variant has not been reported in the literature in individuals affected with NEB-related conditions. Algorithms developed to predict the effect of missense changes on protein structure and function are either unavailable or do not agree on the potential impact of this missense change (SIFT: "Deleterious"; PolyPhen-2: "Not Available"; Align-GVGD: "Class C0"). In summary, the available evidence is currently insufficient to determine the role of this variant in disease. Therefore, it has been classified as a Variant of Uncertain Significance.

Natera, Inc.
Classification: Uncertain significance for Nemaline myopathy type 2. Last evaluated: 2020-11-30. Review status: no assertion criteria provided. Collection method: clinical testing. Allele origin: germline. Not counted in ClinVar's aggregate classification.

NM_001164508.2(NEB):c.16828G>T (p.Val5610Leu)

Gene: NEB (nebulin; minus strand). Cytogenetic location: 2q23.3.
Variant type: single nucleotide variant.
Coding change: c.16828G>T on transcript NM_001164508.2 (MANE Select); coding-DNA position 16828, G replaced by T.
Protein change: p.Val5610Leu; replaces valine 5610 with leucine.
Molecular consequence: missense variant.
Genome position (GRCh38, 1-based): chr2:151,576,231, C>A on the plus strand (G>T on the coding strand, the complement: NEB is on the minus strand). VCF-style: chr2-151576231-C-A. GRCh37 (hg19) VCF-style: chr2-152432745-C-A.
Other names: c.16828G>T, p.Val5610Leu (NM_001164507.2, NM_001271208.2); c.11725G>T, p.Val3909Leu (NM_004543.5); short protein forms V5610L, V3909L.
Identifiers: ClinVar variation 947737 (VCV000947737.12), dbSNP rs759755890, ClinGen allele CA1908371.
Genomic context (GRCh38, chr2:151,576,231, plus strand): 5'-TTGATTTAGCAAGGACCACTTCAGGTGTGTCAACAATGCTTGTGTACTTAAGGTTCACCA[C>A]AGGCGTCCGATAGACACTGTCACAAAAGATATTCTGGGCGTTTTTGACTCTCAACACTTC-3'
Protein context (NP_001157980.2, residues 5600-5620): IFCDSVYRTP[Val5610Leu]VNLKYTSIVD